The following is an entry in ClinVar:

ClinVar aggregate classification (germline): Likely pathogenic (1 of 4 stars; one submission).

Conditions:
Nemaline myopathy 2 (NEM2). Also called: Nemaline myopathy 2, autosomal recessive. Identifiers: MedGen C1850569, MONDO:0009725, OMIM 256030.

Submission:

Labcorp Genetics (formerly Invitae), Labcorp
Classification: Likely pathogenic for Nemaline myopathy 2. Last evaluated: 2022-07-11. Review status: criteria provided, single submitter. Criteria: Invitae Variant Classification Sherloc (09022015). Collection method: clinical testing. Allele origin: germline.
Comment: In summary, the currently available evidence indicates that the variant is pathogenic, but additional data are needed to prove that conclusively. Therefore, this variant has been classified as Likely Pathogenic. This variant has not been reported in the literature in individuals affected with NEB-related conditions. Information on the frequency of this variant in the gnomAD database is not available, as this variant may be reported differently in the database. This sequence change affects a splice site in intron 24 of the NEB gene. It is expected to disrupt RNA splicing. Variants that disrupt the donor or acceptor splice site typically lead to a loss of protein function (PMID: 16199547), and loss-of-function variants in NEB are known to be pathogenic (PMID: 25205138).

Literature cited by the submitters: PubMed 16199547; PubMed 25205138.

NM_001164508.2(NEB):c.2310+2_2310+3delinsAC

Gene: NEB (nebulin; minus strand). Cytogenetic location: 2q23.3.
Variant type: Indel.
Coding change: c.2310+2_2310+3delinsAC on transcript NM_001164508.2 (MANE Select); the canonical splice donor site of the intron after coding-DNA position 2310 through 3 bases into the intron after coding-DNA position 2310, TA replaced by AC.
Molecular consequence: splice donor variant.
Genome position (GRCh38, 1-based): chr2:151,690,724-151,690,725, TA replaced by GT on the plus strand (TA replaced by AC on the coding strand, the reverse complement: NEB is on the minus strand). VCF-style: chr2-151690724-TA-GT. GRCh37 (hg19) VCF-style: chr2-152547238-TA-GT.
Other names: c.2310+2_2310+3delinsAC (NM_004543.5, NM_001164507.2, NM_001271208.2).
Identifiers: ClinVar variation 2132514 (VCV002132514.4), dbSNP rs2552267397, ClinGen allele CA2580064083.
Genomic context (GRCh38, chr2:151,690,724, plus strand): 5'-CTTACATTTTAAATGAGCAAAGCACTCTGGGTCACCCACGCTTGCATAAATCAAAGCACT[TA>GT]CATCACTAAGCTGTTTCGTGTTGAGCTGGGCTTGCAACAGTACAGGAGAATCAGTGACTG-3'